The following is an entry in ClinVar:

ClinVar aggregate classification (germline): Uncertain significance. Review status: criteria provided, multiple submitters, no conflicts (2 of 4 stars). 2 submissions from 2 submitters: Uncertain significance (2). Last evaluated 2025-12-01.

Conditions:
Inborn genetic diseases. Identifiers: MedGen C0950123, MeSH D030342.

Allele frequency attached by ClinVar (database versions not stated): ExAC 0.00003; gnomAD exomes 0.00004; 1000 Genomes Project 30x 0.00016; 1000 Genomes Project 0.00020.
gnomAD v4.1: 35 of 1,613,652 alleles (0.0022%); highest among the groups gnomAD compares: East Asian, 0.022%; no homozygotes.

Submissions (2):

Labcorp Genetics (formerly Invitae), Labcorp
Classification: Uncertain significance. Last evaluated: 2025-12-01. Review status: criteria provided, single submitter. Criteria: Invitae Variant Classification Sherloc (09022015). Collection method: clinical testing. Allele origin: germline.
Comment: This sequence change replaces alanine, which is neutral and non-polar, with valine, which is neutral and non-polar, at codon 231 of the C1S protein (p.Ala231Val). This variant is present in population databases (rs781863865, gnomAD 0.01%). This variant has not been reported in the literature in individuals affected with C1S-related conditions. ClinVar contains an entry for this variant (Variation ID: 1449314). Invitae Evidence Modeling of protein sequence and biophysical properties (such as structural, functional, and spatial information, amino acid conservation, physicochemical variation, residue mobility, and thermodynamic stability) indicates that this missense variant is not expected to disrupt C1S protein function with a negative predictive value of 80%. In summary, the available evidence is currently insufficient to determine the role of this variant in disease. Therefore, it has been classified as a Variant of Uncertain Significance.

Ambry Genetics
Classification: Uncertain significance for Inborn genetic diseases. Last evaluated: 2022-03-30. Review status: criteria provided, single submitter. Criteria: Ambry Variant Classification Scheme 2023. Collection method: clinical testing. Allele origin: germline.

NM_001734.5(C1S):c.692C>T (p.Ala231Val)

Gene: C1S (complement C1s; plus strand). Cytogenetic location: 12p13.31.
Variant type: single nucleotide variant.
Coding change: c.692C>T on transcript NM_001734.5 (MANE Select); coding-DNA position 692, C replaced by T.
Protein change: p.Ala231Val; replaces alanine 231 with valine.
Molecular consequence: missense variant.
Genome position (GRCh38, 1-based): chr12:7,065,274, C>T. VCF-style: chr12-7065274-C-T. GRCh37 (hg19) VCF-style: chr12-7172578-C-T.
Other names: c.191C>T, p.Ala64Val (NM_001346850.2); c.692C>T, p.Ala231Val (NM_201442.4); c.692C>T (NM_201442.2); short protein forms A231V, A64V.
Identifiers: ClinVar variation 1449314 (VCV001449314.7), dbSNP rs781863865, ClinGen allele CA6423519.
Genomic context (GRCh38, chr12:7,065,274, plus strand): 5'-GGTTCCAAGTGGTGGTGACCTTGCGGAGAGAAGATTTTGATGTGGAAGCAGCTGACTCAG[C>T]GGGAAACTGCCTTGACAGTTTAGTTGTGCGTGATGGTTGATTAATACCCCACCCTTAACT-3'
Protein context (NP_001725.1, residues 221-241): EDFDVEAADS[Ala231Val]GNCLDSLVFV